The following is an entry in ClinVar:

ClinVar aggregate classification (germline): Likely benign. Review status: criteria provided, multiple submitters, no conflicts (2 of 4 stars). 2 submissions from 2 submitters: Likely benign (2). Last evaluated 2018-01-12.

Conditions:
Primary hypomagnesemia (HOMG3). Also called: HYPOMAGNESEMIA, FAMILIAL, WITH HYPERCALCIURIA AND NEPHROCALCINOSIS; HYPOMAGNESEMIA, ISOLATED RENAL; HYPOMAGNESEMIA, PRIMARY, DUE TO DEFECT IN RENAL TUBULAR TRANSPORT OF MAGNESIUM; HYPOMAGNESEMIA 3, RENAL. Identifiers: Orphanet 31043, MedGen C0268448, MONDO:0009550, OMIM 248250.

Allele frequency attached by ClinVar (database versions not stated): TOPMed 0.00314; ESP Exome Variant Server 0.00238; gnomAD 0.00278 and 0.00298; 1000 Genomes Project 0.00339; 1000 Genomes Project 30x 0.00359.
gnomAD v4.1: 938 of 1,584,382 alleles (0.059%); highest among the groups gnomAD compares: African/African-American, 0.96%; 5 homozygotes.

Submissions (2):

Illumina Laboratory Services, Illumina
Classification: Likely benign for Primary hypomagnesemia. Last evaluated: 2018-01-12. Review status: criteria provided, single submitter. Criteria: ICSL Variant Classification Criteria 13 December 2019. Collection method: clinical testing. Allele origin: germline.
Comment: This variant was observed in the ICSL laboratory as part of a predisposition screen in an ostensibly healthy population. It had not been previously curated by ICSL or reported in the Human Gene Mutation Database (HGMD: prior to June 1st, 2018), and was therefore a candidate for classification through an automated scoring system. Utilizing variant allele frequency, disease prevalence and penetrance estimates, and inheritance mode, an automated score was calculated to assess if this variant is too frequent to cause the disease. Based on the score and internal cut-off values, a variant classified as likely benign is not then subjected to further curation. The score for this variant resulted in a classification of likely benign for this disease.

Breakthrough Genomics
Classification: Likely benign. Review status: criteria provided, single submitter. Criteria: ACMG Guidelines, 2015. Collection method: not provided. Allele origin: germline. Inheritance: Autosomal recessive inheritance. Affected: yes.

NM_006580.3(CLDN16):c.-41C>T

Gene: CLDN16 (claudin 16; plus strand). Cytogenetic location: 3q28.
Variant type: single nucleotide variant.
Coding change: c.-41C>T on transcript NM_006580.3; 41 bases upstream of the start codon, C replaced by T.
Molecular consequence: intron variant (on NM_001378492.1).
Genome position (GRCh38, 1-based): chr3:190,388,079, C>T. VCF-style: chr3-190388079-C-T. GRCh37 (hg19) VCF-style: chr3-190105868-C-T.
Other names: c.-93-158C>T (NM_001378492.1, NM_001378493.1).
Identifiers: ClinVar variation 902249 (VCV000902249.7), dbSNP rs192579160, ClinGen allele CA2753665.